The following is an entry in ClinVar:

ClinVar aggregate classification (germline): Conflicting classifications of pathogenicity. Review status: criteria provided, conflicting classifications (1 of 4 stars). 22 submissions from 22 submitters: Pathogenic (10); Likely pathogenic (4); Uncertain significance (5). 3 of the submissions do not count toward it. Last evaluated 2026-08-12.

Conditions:
Hereditary breast ovarian cancer syndrome. Also called: Hereditary breast and ovarian cancer syndrome; Hereditary breast and ovarian cancer; Hereditary breast and ovarian cancer syndrome (HBOC); Hereditary breast and/or ovarian cancer syndrome; Breast and ovarian cancer; BRCA1- and BRCA2-Associated Hereditary Breast and Ovarian Cancer. Identifiers: Orphanet 145, MedGen C0677776, MeSH D061325, MONDO:0003582. Disease mechanism: loss of function.
Fanconi anemia complementation group J. Also called: BRIP1-Related Fanconi Anemia. Identifiers: Orphanet 84, MedGen C1836860, MONDO:0012187, OMIM 609054.
Familial cancer of breast. Also called: hereditary breast carcinoma; Hereditary breast cancer; BREAST CANCER, FAMILIAL. Identifiers: Orphanet 227535, MedGen C0346153, MONDO:0016419, OMIM 114480. Disease mechanism: loss of function.
Hereditary cancer-predisposing syndrome. Also called: Hereditary Cancer Syndrome; Tumor predisposition; Hereditary neoplastic syndrome; Neoplastic Syndromes, Hereditary. Identifiers: Orphanet 140162, MedGen C0027672, MeSH D009386, MONDO:0015356.
Breast carcinoma. Also called: Carcinoma of breast. Identifiers: MedGen C0678222, MONDO:0004989, HP:0003002.
Ovarian cancer. Also called: OVARIAN CANCER, SOMATIC. Identifiers: Orphanet 213500, MedGen C1140680, MONDO:0008170, OMIM 167000.
Familial ovarian cancer. Identifiers: MedGen C5679802, MONDO:0016248.
BRIP1-related disorder. Also called: BRIP1-related condition; BRIP1-related disorders. Identifiers: MedGen CN239206.

Submissions 1 to 6 of 22:

German Consortium for Hereditary Breast and Ovarian Cancer, University Hospital Cologne
Classification: Uncertain significance for Hereditary breast ovarian cancer syndrome. Last evaluated: 2026-08-12. Review status: criteria provided, single submitter. Criteria: ACMG SVI. Collection method: curation. Allele origin: germline.
Comment: The variant was identified in homozygous individuals who did not present with classic Fanconi anemia features: no congenital anomalies, no FA-associated tumors, and no hematologic abnormalities. (Droste et al. under review) The variant causes a truncated, unstable protein expressed at reduced levels due to illegitimate C-terminal amino acids (PMID 18628483). This variant is associated with cellular sensitivity toward MMC, which is very mild compared to complete loss of BRIP1. In contrast to the helicase domain, cellular studies of stably expressed, C-terminally truncated BRIP1 do not show increased cellular sensitivity to DNA interstrand crosslinks (PMID: 33619228). The impact of this variant on BRIP1 protein function remains uncertain; This classification follows the ACMG SVI adaptation classification scheme; We chose these criteria: PVS1 (supporting pathogenic): GC-HBOC VCEP (≥ c.2947 (p.983): PVS1_SUP), PS4 (supporting pathogenic): This mutation has been identified in early onset breast cancer and ovarian cancer patients (De Nicolo 2008 (PMID: 18628483), Tedaldi 2017 (PMID: 28423363); Carter 2018 (PMID: 30322717))

CeGaT Center for Human Genetics Tuebingen
Classification: Likely pathogenic. Last evaluated: 2026-06-01. Review status: criteria provided, single submitter. Criteria: CeGaT Center For Human Genetics Tuebingen Variant Classification Criteria Version 2. Collection method: clinical testing. Allele origin: germline. Affected: yes. Observed: 2 variant alleles.
Comment: BRIP1: PVS1:Strong, PS4:Moderate, PM2:Supporting

Hema, HEMA – Genetic and Molecular Diagnostic Laboratory
Classification: Uncertain significance for Familial ovarian cancer. Last evaluated: 2026-04-06. Review status: criteria provided, single submitter. Criteria: HEMA Variant Classification Assertion Criteria. Collection method: clinical testing. Allele origin: germline.
Comment: The variant c.2992_2995del p.(Lys998Glufs*60) is a four-nucleotide deletion that results in a frameshift in BRIP1. PVS1_Strong: It is a frameshift variant that escapes nonsense-mediated decay but removes more than 10% of the BRIP1 protein. There are conflicting results in the scientific literature regarding the functional importance of this region (PMID: 20159562, 21127055, 22792074, 33619228). PM2_Supporting: Present at very low frequency in the gnomAD v4.1.0 database. BS2: Variant detected in the homozygous state in seven individuals without Fanconi anemia (DOI: 10.1016/j.ejcped.2025.100337).

Labcorp Genetics (formerly Invitae), Labcorp
Classification: Uncertain significance for Familial cancer of breast; Fanconi anemia complementation group J. Last evaluated: 2026-02-02. Review status: criteria provided, single submitter. Criteria: Invitae Variant Classification Sherloc (09022015). Collection method: clinical testing. Allele origin: germline.
Comment: This sequence change creates a premature translational stop signal (p.Lys998Glufs*60) in the BRIP1 gene. While this is not anticipated to result in nonsense mediated decay, it is expected to disrupt the last 252 amino acid(s) of the BRIP1 protein. This variant is present in population databases (rs786203717, gnomAD 0.002%). This premature translational stop signal has been observed in individual(s) with breast cancer or acute myeloid leukemia (PMID: 18628483, 26921362, 28423363, 30322717, 33840814). ClinVar contains an entry for this variant (Variation ID: 187416). Algorithms developed to predict the effect of variants on gene product structure and function are not available or were not evaluated for this variant. Experimental studies have shown that this premature translational stop signal affects BRIP1 function (PMID: 18628483). In summary, the available evidence is currently insufficient to determine the role of this variant in disease. Therefore, it has been classified as a Variant of Uncertain Significance.

Quest Diagnostics Nichols Institute San Juan Capistrano
Classification: Uncertain significance. Last evaluated: 2025-10-06. Review status: criteria provided, single submitter. Criteria: Quest Diagnostics criteria. Collection method: clinical testing. Allele origin: unknown.
Comment: The BRIP1 c.2992_2995del (p.Lys998Glufs*60) frameshift variant occurs in the last exon of the BRIP1 gene. While it is not expected to trigger nonsense-mediated decay of the aberrant transcript, this variant results in the loss of the last 252 amino acids of the BRIP1 protein. In the published literature, this variant has been reported in individuals with ovarian cancer (PMID: 30322717 (2018)), breast or ovarian cancer (PMID: 29368626 (2018)), breast cancer (PMID: 31325073 (2019), 28423363 (2017), 26921362 (2016), 18628483 (2008)), renal carcinoma (PMID: 35441217 (2022)), and leukemia (PMID: 33840814 (2021)). An experimental study showed this variant results in reduced protein stability and BRCA1 interaction in a co-immunoprecipitation assay (PMID: 18628483 (2008)). However, a more recent study found this region of the BRIP1 protein is not required for BRIP1-associated DNA damage response (PMID: 33619228 (2021)). Therefore the impact of this variant on overall BRIP1 protein function is inconclusive. The frequency of this variant in the general population (Genome Aggregation Database) is uninformative in the assessment of its pathogenicity. Based on the available information, we are unable to determine the clinical significance of this variant.

Color Diagnostics, LLC DBA Color Health
Classification: Likely pathogenic for Hereditary cancer-predisposing syndrome. Last evaluated: 2025-09-15. Review status: criteria provided, single submitter. Criteria: ACMG Guidelines, 2015. Collection method: clinical testing. Allele origin: germline.
Comment: This variant deletes 4 nucleotides in exon 20 of the BRIP1 gene, creating a frameshift and premature translation stop signal in the last exon. This variant is expected to escape nonsense-mediated decay and be expressed as a truncated protein that lacks the functional domains involved in BRCA1-binding, DNA damage and replication stress responses and attenuation of DNA damage tolerance pathway (PMID: 11301010, 14983014, 20159562, 20173781, 22792074). A functional study has shown that this variant affects protein stability and impairs interaction with BRCA1 (PMID: 18628483). This variant has been reported in multiple individuals affected with breast cancer or from a high risk family (PMID: 18628483, 26921362, 28423363, 29368626, 31325073). One of these individuals also carried a pathogenic variant in the BRCA2 gene (PMID: 28423363). This variant has been observed in multiple individuals affected with breast cancer or having a family history of breast, ovarian or colorectal cancer (Color internal data). This variant has been identified in 5/282468 chromosomes in the general population by the Genome Aggregation Database (gnomAD). Loss of BRIP1 function is a known mechanism of disease. Based on the available evidence, this variant is classified as Likely Pathogenic. This variant may be hypomorphic and may display reduced penetrance relative to typical pathogenic BRIP1 variants. Medical management should be considered based on the individual's personal and family history.

NM_032043.3(BRIP1):c.2992_2995del (p.Lys998fs)

Gene: BRIP1 (BRCA1 interacting DNA helicase 1; minus strand). Cytogenetic location: 17q23.2.
Variant type: Deletion.
Coding change: c.2992_2995del on transcript NM_032043.3 (MANE Select); coding-DNA positions 2992 to 2995, 4 bases deleted (AAGA; older notation c.2992_2995delAAGA).
Protein change: p.Lys998fs; shifts the reading frame from lysine 998.
Molecular consequence: frameshift variant.
Genome position (GRCh38, 1-based): chr17:61,684,051-61,684,054, TCTT deleted on the plus strand (AAGA on the coding strand, the reverse complement: BRIP1 is on the minus strand); deleting any 4 consecutive bases within chr17:61,684,051-61,684,055 gives the same sequence; the c. name uses the placement nearest the transcript's 3' end. VCF-style (leftmost placement, unchanged base first): chr17-61684050-CTCTT-C. GRCh37 (hg19) VCF-style: chr17-59761411-CTCTT-C.
Other names: c.2992_2995delAAGA (NM_032043.2); short protein forms K998fs.
Identifiers: ClinVar variation 187416 (VCV000187416.66), dbSNP rs786203717, ClinGen allele CA197590.
Genomic context (GRCh38, chr17:61,684,050, plus strand): 5'-GCCTTCGGTATTTTACCAGTAAAATACTGTCCCAAAGAATTAAAGCTTGACCAGCTAACT[CTCTT>C]TGTTTGTTTGTTGAAAGTTGGGCTTGTGGATCTGGAAATCACAATTTTTTCTGCTTTCCC-3'